The following is an entry in ClinVar:

ClinVar aggregate classification (germline): Uncertain significance (1 of 4 stars; one submission).

gnomAD v4.1: 119 of 1,613,950 alleles (0.0074%); highest among the groups gnomAD compares: Non-Finnish European, 0.0092%; no homozygotes.

Submission:

Labcorp Genetics (formerly Invitae), Labcorp
Classification: Uncertain significance. Last evaluated: 2025-07-06. Review status: criteria provided, single submitter. Criteria: Invitae Variant Classification Sherloc (09022015). Collection method: clinical testing. Allele origin: germline.
Comment: This sequence change replaces valine, which is neutral and non-polar, with isoleucine, which is neutral and non-polar, at codon 1225 of the DSCAML1 protein (p.Val1225Ile). This variant is present in population databases (rs773692725, gnomAD 0.006%). This variant has not been reported in the literature in individuals affected with DSCAML1-related conditions. An algorithm developed to predict the effect of missense changes on protein structure and function (PolyPhen-2) suggests that this variant is likely to be tolerated. In summary, the available evidence is currently insufficient to determine the role of this variant in disease. Therefore, it has been classified as a Variant of Uncertain Significance.

NM_020693.4(DSCAML1):c.3493G>A (p.Val1165Ile)

Gene: DSCAML1 (DS cell adhesion molecule like 1; minus strand). Cytogenetic location: 11q23.3.
Variant type: single nucleotide variant.
Coding change: c.3493G>A on transcript NM_020693.4 (MANE Select); coding-DNA position 3493, G replaced by A.
Protein change: p.Val1165Ile; replaces valine 1165 with isoleucine.
Molecular consequence: missense variant.
Genome position (GRCh38, 1-based): chr11:117,458,829, C>T on the plus strand (G>A on the coding strand, the complement: DSCAML1 is on the minus strand). VCF-style: chr11-117458829-C-T. GRCh37 (hg19) VCF-style: chr11-117329545-C-T.
Other names: short protein forms V1165I.
Identifiers: ClinVar variation 4690798 (VCV004690798.1).
Genomic context (GRCh38, chr11:117,458,829, plus strand): 5'-GGATGTAGAGCACACTGCTGCGTACGCCGTCCCCAGCCTGGGTGTAGGCCAGCACCTGGA[C>T]GCTGTAGTTGGTGAACTTCTCCATGCCCCGCAGCTCCACCCGCTCCCGCGTGGTGGTGAT-3'
Protein context (NP_065744.3, residues 1155-1175): RGMEKFTNYS[Val1165Ile]QVLAYTQAGD